The following is an entry in ClinVar:

NM_175914.5(HNF4A):c.670+141A>G

Gene: HNF4A (hepatocyte nuclear factor 4 alpha; plus strand). Cytogenetic location: 20q13.12.
Variant type: single nucleotide variant.
Coding change: c.670+141A>G on transcript NM_175914.5 (MANE Select); 141 bases into the intron after coding-DNA position 670, A replaced by G.
Molecular consequence: intron variant.
Genome position (GRCh38, 1-based): chr20:44,418,653, A>G. VCF-style: chr20-44418653-A-G. GRCh37 (hg19) VCF-style: chr20-43047293-A-G.
Other names: c.661+141A>G (NM_001287182.2, NM_001287183.2, NM_001287184.2); c.670+141A>G (NM_001030003.3, NM_001030004.3); c.715+141A>G (NM_001258355.2); c.736+141A>G (NM_178849.3, NM_000457.6, NM_178850.3).
Identifiers: ClinVar variation 676879 (VCV000676879.2), dbSNP rs6103731, ClinGen allele CA15977349.
Genomic context (GRCh38, chr20:44,418,653, plus strand): 5'-TGGTGGCATGCAAGGGTGAGGGAGACTAGTCAGGAGTGGCCCTGTCCTCAGGCTTGCATT[A>G]GAGGGCTCCAGGACTCAGTTTTCAACTGGGTACCCCACTCAGATGCAAGGAAATGTGGAT-3'

ClinVar aggregate classification (germline): Benign. Review status: criteria provided, multiple submitters, no conflicts (2 of 4 stars). 2 submissions from 2 submitters: Benign (2). Last evaluated 2018-06-14.

Conditions:
Maturity-onset diabetes of the young (MODY). Also called: Maturity onset diabetes mellitus in young. Identifiers: Orphanet 552, MedGen C0342276, MONDO:0018911, HP:0004904.

Allele frequency attached by ClinVar (database versions not stated): 1000 Genomes Project 0.45407; 1000 Genomes Project 30x 0.45737; TOPMed 0.54425; gnomAD 0.54652 and 0.55192; gnomAD exomes 0.55389.
gnomAD v4.1: 361,125 of 653,248 alleles (55%); highest among the groups gnomAD compares: Middle Eastern, 64%; 102,511 homozygotes.

Submissions (2):

GeneDx
Classification: Benign. Last evaluated: 2018-06-14. Review status: criteria provided, single submitter. Criteria: GeneDx Variant Classification (06012015). Collection method: clinical testing. Allele origin: germline. Affected: yes.
Comment: This variant is considered likely benign or benign based on one or more of the following criteria: it is a conservative change, it occurs at a poorly conserved position in the protein, it is predicted to be benign by multiple in silico algorithms, and/or has population frequency not consistent with disease.

Clinical Genomics, Uppaluri K&H Personalized Medicine Clinic
Classification: Benign for Maturity-onset diabetes of the young. Review status: criteria provided, single submitter. Criteria: K & H Uppaluri Personalized Medicine Clinic Variant Classification & Assertion Criteria_Updated V.1. Collection method: research. Allele origin: unknown. Inheritance: Autosomal dominant inheritance.
Comment: Potent mutations in HNF4A are associated with poor insulin secretion in response to hyperglycemia. Associated with MODY1. Patients initially respond well to sulfonylureas but eventually become insulin dependent. However, more evidence is required to ascertain the role of this particular variant rs6103731 in MODY, yet.

Literature cited by the submitters: PubMed 18268044 (cited by Clinical Genomics, Uppaluri K&H Personalized Medicine Clinic); PubMed 17563455 (cited by Clinical Genomics, Uppaluri K&H Personalized Medicine Clinic); PubMed 32583173 (cited by Clinical Genomics, Uppaluri K&H Personalized Medicine Clinic); PubMed 35052457 (cited by Clinical Genomics, Uppaluri K&H Personalized Medicine Clinic); PubMed 35118593 (cited by Clinical Genomics, Uppaluri K&H Personalized Medicine Clinic); DOI 10.1159/000334532 (cited by Clinical Genomics, Uppaluri K&H Personalized Medicine Clinic).